The following is an entry in ClinVar:

NM_000256.3(MYBPC3):c.681C>T (p.Thr227=)

Gene: MYBPC3 (myosin binding protein C3; minus strand). Cytogenetic location: 11p11.2.
Variant type: single nucleotide variant.
Coding change: c.681C>T on transcript NM_000256.3 (MANE Select); coding-DNA position 681, C replaced by T.
Protein change: p.Thr227=; no amino-acid change (threonine 227 retained).
Molecular consequence: synonymous variant.
Genome position (GRCh38, 1-based): chr11:47,348,515, G>A on the plus strand (C>T on the coding strand, the complement: MYBPC3 is on the minus strand). VCF-style: chr11-47348515-G-A. GRCh37 (hg19) VCF-style: chr11-47370066-G-A.
Identifiers: ClinVar variation 188533 (VCV000188533.17), dbSNP rs756894628, ClinGen allele CA015700.

ClinVar aggregate classification (germline): Likely benign. Review status: criteria provided, multiple submitters, no conflicts (2 of 4 stars). 7 submissions from 7 submitters: Likely benign (7). Last evaluated 2025-12-08.

Conditions:
Cardiovascular phenotype. Identifiers: MedGen CN230736.
Hypertrophic cardiomyopathy 4. Also called: Familial hypertrophic cardiomyopathy 4. Identifiers: MedGen C1861862, MONDO:0007268, OMIM 115197.
Left ventricular noncompaction 10 (LVNC10). Identifiers: Orphanet 154, Orphanet 54260, MedGen C3715165, MONDO:0014163, OMIM 615396.
Cardiomyopathy (CMYO). Also called: Cardiomyopathies. Identifiers: Orphanet 167848, MedGen C0878544, MONDO:0004994, HP:0001638. Inheritance: Various modes of inheritance.
Hypertrophic cardiomyopathy. Also called: HYPERTROPHIC MYOCARDIOPATHY. Identifiers: Orphanet 217569, MedGen C0007194, MeSH D002312, MONDO:0005045, HP:0001639.

Allele frequency attached by ClinVar (database versions not stated): gnomAD 0.00001; TOPMed 0.00001; ExAC 0.00002; gnomAD exomes 0.00003.
gnomAD v4.1: 41 of 1,613,034 alleles (0.0025%); highest among the groups gnomAD compares: East Asian, 0.0045%; no homozygotes.

Submissions (7):

Women's Health and Genetics/Laboratory Corporation of America, LabCorp
Classification: Likely benign. Last evaluated: 2025-12-08. Review status: criteria provided, single submitter. Criteria: LabCorp Variant Classification Summary - May 2015. Collection method: clinical testing. Allele origin: germline.

Labcorp Genetics (formerly Invitae), Labcorp
Classification: Likely benign for Hypertrophic cardiomyopathy. Last evaluated: 2025-10-13. Review status: criteria provided, single submitter. Criteria: Invitae Variant Classification Sherloc (09022015). Collection method: clinical testing. Allele origin: germline.

All of Us Research Program, National Institutes of Health
Classification: Likely benign for Hypertrophic cardiomyopathy. Last evaluated: 2024-02-05. Review status: criteria provided, single submitter. Criteria: ACMG Guidelines, 2015. Collection method: clinical testing. Allele origin: germline. Inheritance: Autosomal dominant inheritance. Observed: 8 variant alleles, 8 heterozygotes.
Comment: This study involves interpretation of variants in research participants for the purpose of population health screening. Participant phenotype was not available at the time of variant classification. Additional details can be found in publication PMID: 35346344, PMCID: PMC8962531

Ambry Genetics
Classification: Likely benign for Cardiovascular phenotype. Last evaluated: 2023-12-12. Review status: criteria provided, single submitter. Criteria: Ambry Variant Classification Scheme 2023. Collection method: clinical testing. Allele origin: germline.

Blueprint Genetics
Classification: Likely benign. Last evaluated: 2023-04-24. Review status: criteria provided, single submitter. Criteria: ACMG Guidelines, 2015. Collection method: clinical testing. Allele origin: germline.

Fulgent Genetics
Classification: Likely benign for Hypertrophic cardiomyopathy 4; Left ventricular noncompaction 10. Last evaluated: 2021-08-18. Review status: criteria provided, single submitter. Criteria: ACMG Guidelines, 2015. Collection method: clinical testing. Allele origin: unknown.

Color Diagnostics, LLC DBA Color Health
Classification: Likely benign for Cardiomyopathy. Last evaluated: 2021-07-26. Review status: criteria provided, single submitter. Criteria: ACMG Guidelines, 2015. Collection method: clinical testing. Allele origin: germline.